The following is an entry in ClinVar:

NM_001364905.1(LRBA):c.5060_5067del (p.Asn1687fs)

Gene: LRBA (LPS responsive beige-like anchor protein; minus strand). Cytogenetic location: 4q31.3.
Variant type: Deletion.
Coding change: c.5060_5067del on transcript NM_001364905.1 (MANE Select); coding-DNA positions 5060 to 5067, 8 bases deleted (ACATACCA; older notation c.5060_5067delACATACCA).
Protein change: p.Asn1687fs; shifts the reading frame from asparagine 1687.
Molecular consequence: frameshift variant.
Genome position (GRCh38, 1-based): chr4:150,828,284-150,828,291, TGGTATGT deleted on the plus strand (ACATACCA on the coding strand, the reverse complement: LRBA is on the minus strand); deleting any 8 consecutive bases within chr4:150,828,284-150,828,292 gives the same sequence; the c. name uses the placement nearest the transcript's 3' end. VCF-style (leftmost placement, unchanged base first): chr4-150828283-CTGGTATGT-C. GRCh37 (hg19) VCF-style: chr4-151749435-CTGGTATGT-C.
Other names: c.5059_5066delAACATACC, p.Asn1687Serfs (NM_001199282.3, NM_006726.5); c.5060_5067del, p.Asn1687fs (NM_001367550.1); short protein forms N1687fs.
Identifiers: ClinVar variation 1419984 (VCV001419984.6), dbSNP rs2126810852, ClinGen allele CA2573138120.
Genomic context (GRCh38, chr4:150,828,283, plus strand): 5'-CACCAAGGGCTCCAAGGCAGGCTGGTGGCAGAAGGGCAGGATCCACTGTGACTCCATCTG[CTGGTATGT>C]TAACCAAGCTTCGGAGAATGTCTTTCACATTGACGTTTTTTGAAACTGAAACTGACGGTG-3'

ClinVar aggregate classification (germline): Pathogenic (1 of 4 stars; one submission).

Conditions:
Combined immunodeficiency due to LRBA deficiency. Also called: Common variable immunodeficiency 8, with autoimmunity. Identifiers: Orphanet 445018, MedGen C3553512, MONDO:0013863, OMIM 614700.

Submission:

Labcorp Genetics (formerly Invitae), Labcorp
Classification: Pathogenic for Combined immunodeficiency due to LRBA deficiency. Last evaluated: 2021-04-17. Review status: criteria provided, single submitter. Criteria: Invitae Variant Classification Sherloc (09022015). Collection method: clinical testing. Allele origin: germline.
Comment: This sequence change creates a premature translational stop signal (p.Asn1687Serfs*21) in the LRBA gene. It is expected to result in an absent or disrupted protein product. Loss-of-function variants in LRBA are known to be pathogenic (PMID: 26206937, 26768763). This variant is not present in population databases (ExAC no frequency). This variant has not been reported in the literature in individuals with LRBA-related conditions. For these reasons, this variant has been classified as Pathogenic.

Literature cited by the submitters: PubMed 26206937; PubMed 26768763.